The following is an entry in ClinVar:

NM_014444.5(TUBGCP4):c.208G>A (p.Asp70Asn)

Gene: TUBGCP4 (tubulin gamma complex component 4; plus strand). Cytogenetic location: 15q15.3.
Variant type: single nucleotide variant.
Coding change: c.208G>A on transcript NM_014444.5 (MANE Select); coding-DNA position 208, G replaced by A.
Protein change: p.Asp70Asn; replaces aspartic acid 70 with asparagine.
Molecular consequence: missense variant.
Genome position (GRCh38, 1-based): chr15:43,376,503, G>A. VCF-style: chr15-43376503-G-A. GRCh37 (hg19) VCF-style: chr15-43668701-G-A.
Other names: c.208G>A, p.Asp70Asn (NM_001286414.3); short protein forms D70N.
Identifiers: ClinVar variation 1513700 (VCV001513700.3), dbSNP rs1385848192, ClinGen allele CA392115430.

ClinVar aggregate classification (germline): Uncertain significance (1 of 4 stars; one submission).

Allele frequency attached by ClinVar (database versions not stated): gnomAD 0.00001; gnomAD exomes 0.00001; TOPMed 0.00001.
gnomAD v4.1: 16 of 1,614,010 alleles (0.00099%); highest among the groups gnomAD compares: Admixed American, 0.0017%; no homozygotes.

Submission:

Labcorp Genetics (formerly Invitae), Labcorp
Classification: Uncertain significance. Last evaluated: 2022-03-19. Review status: criteria provided, single submitter. Criteria: Invitae Variant Classification Sherloc (09022015). Collection method: clinical testing. Allele origin: germline.
Comment: This sequence change replaces aspartic acid, which is acidic and polar, with asparagine, which is neutral and polar, at codon 70 of the TUBGCP4 protein (p.Asp70Asn). This variant is present in population databases (no rsID available, gnomAD 0.01%). This variant has not been reported in the literature in individuals affected with TUBGCP4-related conditions. Algorithms developed to predict the effect of missense changes on protein structure and function (SIFT, PolyPhen-2, Align-GVGD) all suggest that this variant is likely to be tolerated. In summary, the available evidence is currently insufficient to determine the role of this variant in disease. Therefore, it has been classified as a Variant of Uncertain Significance.